The following is an entry in ClinVar:

NM_001330700.2(TOP2B):c.3715G>A (p.Gly1239Ser)

Gene: TOP2B (DNA topoisomerase II beta; minus strand). Cytogenetic location: 3p24.2.
Variant type: single nucleotide variant.
Coding change: c.3715G>A on transcript NM_001330700.2 (MANE Select); coding-DNA position 3715, G replaced by A.
Protein change: p.Gly1239Ser; replaces glycine 1239 with serine.
Molecular consequence: missense variant.
Genome position (GRCh38, 1-based): chr3:25,612,586, C>T on the plus strand (G>A on the coding strand, the complement: TOP2B is on the minus strand). VCF-style: chr3-25612586-C-T. GRCh37 (hg19) VCF-style: chr3-25654077-C-T.
Other names: c.3700G>A, p.Gly1234Ser (NM_001068.3); short protein forms G1234S, G1239S.
Identifiers: ClinVar variation 3626401 (VCV003626401.2).
Genomic context (GRCh38, chr3:25,612,586, plus strand): 5'-TCAGCAACTTTTTGCTGGCATCTGCCTTCATAGCTGTAATTTCAGGAATTATTCTTCTGC[C>T]ATAAGGTGAGGGCATTGTCTCTTCCAACTGGAGTTTCTTCACCTTAGGTTTGCCAACTTT-3'
Protein context (NP_001317629.1, residues 1229-1249): QLEETMPSPY[Gly1239Ser]RRIIPEITAM

ClinVar aggregate classification (germline): Uncertain significance (1 of 4 stars; one submission).

Submission:

Labcorp Genetics (formerly Invitae), Labcorp
Classification: Uncertain significance. Last evaluated: 2025-09-09. Review status: criteria provided, single submitter. Criteria: Invitae Variant Classification Sherloc (09022015). Collection method: clinical testing. Allele origin: germline.
Comment: This sequence change replaces glycine, which is neutral and non-polar, with serine, which is neutral and polar, at codon 1234 of the TOP2B protein (p.Gly1234Ser). This variant is not present in population databases (gnomAD no frequency). This variant has not been reported in the literature in individuals affected with TOP2B-related conditions. ClinVar contains an entry for this variant (Variation ID: 3626401). An algorithm developed to predict the effect of missense changes on protein structure and function (PolyPhen-2) suggests that this variant is likely to be disruptive. In summary, the available evidence is currently insufficient to determine the role of this variant in disease. Therefore, it has been classified as a Variant of Uncertain Significance.